The following is an entry in ClinVar:

NM_052859.4(RFT1):c.781C>G (p.Arg261Gly)

Gene: RFT1 (RFT1 glycolipid translocator homolog; minus strand). Cytogenetic location: 3p21.1.
Variant type: single nucleotide variant.
Coding change: c.781C>G on transcript NM_052859.4 (MANE Select); coding-DNA position 781, C replaced by G.
Protein change: p.Arg261Gly; replaces arginine 261 with glycine.
Molecular consequence: missense variant.
Genome position (GRCh38, 1-based): chr3:53,106,864, G>C on the plus strand (C>G on the coding strand, the complement: RFT1 is on the minus strand). VCF-style: chr3-53106864-G-C. GRCh37 (hg19) VCF-style: chr3-53140880-G-C.
Other names: short protein forms R261G.
Identifiers: ClinVar variation 1032347 (VCV001032347.5), dbSNP rs766042717, ClinGen allele CA2451341.

ClinVar aggregate classification (germline): Uncertain significance. Review status: criteria provided, multiple submitters, no conflicts (2 of 4 stars). 2 submissions from 2 submitters: Uncertain significance (2). Last evaluated 2025-09-24.

Conditions:
RFT1-congenital disorder of glycosylation (CDG1N). Also called: RFT1-CDG; CDG In; Congenital disorder of glycosylation type In. Identifiers: Orphanet 244310, MedGen C2677590, MONDO:0012783, OMIM 612015.

Allele frequency attached by ClinVar (database versions not stated): gnomAD 0.00003; TOPMed 0.00003.
gnomAD v4.1: 96 of 1,612,234 alleles (0.006%); highest among the groups gnomAD compares: Non-Finnish European, 0.0076%; no homozygotes.

Submissions (2):

Labcorp Genetics (formerly Invitae), Labcorp
Classification: Uncertain significance for RFT1-congenital disorder of glycosylation. Last evaluated: 2025-09-24. Review status: criteria provided, single submitter. Criteria: Invitae Variant Classification Sherloc (09022015). Collection method: clinical testing. Allele origin: germline.
Comment: This sequence change replaces arginine, which is basic and polar, with glycine, which is neutral and non-polar, at codon 261 of the RFT1 protein (p.Arg261Gly). This variant is present in population databases (rs766042717, gnomAD 0.01%). This variant has not been reported in the literature in individuals affected with RFT1-related conditions. ClinVar contains an entry for this variant (Variation ID: 1032347). Invitae Evidence Modeling of protein sequence and biophysical properties (such as structural, functional, and spatial information, amino acid conservation, physicochemical variation, residue mobility, and thermodynamic stability) indicates that this missense variant is not expected to disrupt RFT1 protein function with a negative predictive value of 80%. In summary, the available evidence is currently insufficient to determine the role of this variant in disease. Therefore, it has been classified as a Variant of Uncertain Significance.

Baylor Genetics
Classification: Uncertain significance for RFT1-congenital disorder of glycosylation. Last evaluated: 2018-04-30. Review status: criteria provided, single submitter. Criteria: ACMG Guidelines, 2015. Collection method: clinical testing. Allele origin: maternal. Affected: yes.
Comment: This variant was determined to be of uncertain significance according to ACMG Guidelines, 2015 [PMID:25741868].